The following is an entry in ClinVar:

NM_006648.4(WNK2):c.4523G>C (p.Ser1508Thr)

Gene: WNK2 (WNK lysine deficient protein kinase 2; plus strand). Cytogenetic location: 9q22.31.
Variant type: single nucleotide variant.
Coding change: c.4523G>C on transcript NM_006648.4 (MANE Select); coding-DNA position 4523, G replaced by C.
Protein change: p.Ser1508Thr; replaces serine 1508 with threonine.
Molecular consequence: missense variant.
Genome position (GRCh38, 1-based): chr9:93,289,277, G>C. VCF-style: chr9-93289277-G-C. GRCh37 (hg19) VCF-style: chr9-96051559-G-C.
Other names: c.4634G>C, p.Ser1545Thr (NM_001282394.3); short protein forms S1545T, S1508T.
Identifiers: ClinVar variation 3470655 (VCV003470655.1).

ClinVar aggregate classification (germline): Uncertain significance (1 of 4 stars; one submission).

gnomAD v4.1: 1 of 1,600,254 alleles (0.000062%); highest among the groups gnomAD compares: African/African-American, 0.0013%; no homozygotes.

Submission:

Ambry Genetics
Classification: Uncertain significance. Last evaluated: 2024-12-08. Review status: criteria provided, single submitter. Criteria: Ambry Variant Classification Scheme 2023. Collection method: clinical testing. Allele origin: germline.
Comment: The p.S1508T variant (also known as c.4523G>C), located in coding exon 19 of the WNK2 gene, results from a G to C substitution at nucleotide position 4523. The serine at codon 1508 is replaced by threonine, an amino acid with similar properties. This amino acid position is conserved. In addition, this alteration is predicted to be tolerated by in silico analysis. Based on the available evidence, the clinical significance of this variant remains unclear.